The following is an entry in ClinVar:

NM_000554.6(CRX):c.714del (p.Gly239fs)

Gene: CRX (cone-rod homeobox; plus strand). Cytogenetic location: 19q13.33.
Variant type: Deletion.
Coding change: c.714del on transcript NM_000554.6 (MANE Select); coding-DNA position 714, one base deleted (T; older notation c.714delT).
Protein change: p.Gly239fs; shifts the reading frame from glycine 239.
Molecular consequence: frameshift variant.
Genome position (GRCh38, 1-based): chr19:47,839,781, T deleted. VCF-style (leftmost placement, unchanged base first): chr19-47839780-CT-C. GRCh37 (hg19) VCF-style: chr19-48343037-CT-C.
Other names: short protein forms G239fs.
Identifiers: ClinVar variation 2033764 (VCV002033764.4), dbSNP rs2514256605, ClinGen allele CA2580097514.

ClinVar aggregate classification (germline): Pathogenic (1 of 4 stars; one submission).

Conditions:
Cone-rod dystrophy 2 (CORD2). Also called: Cone-rod retinal dystrophy 2; CONE-ROD RETINAL DYSTROPHY. Identifiers: Orphanet 1872, MedGen C3489532, MONDO:0007362, OMIM 120970.
Leber congenital amaurosis 7 (LCA7). Identifiers: Orphanet 65, MedGen C3151192, MONDO:0013449, OMIM 613829.

Submission:

Labcorp Genetics (formerly Invitae), Labcorp
Classification: Pathogenic for Cone-rod dystrophy 2; Leber congenital amaurosis 7. Last evaluated: 2023-09-14. Review status: criteria provided, single submitter. Criteria: Invitae Variant Classification Sherloc (09022015). Collection method: clinical testing. Allele origin: germline.
Comment: This variant is not present in population databases (gnomAD no frequency). This sequence change results in a frameshift in the CRX gene (p.Gly239Alafs*132). While this is not anticipated to result in nonsense mediated decay, it is expected to disrupt the last 61 amino acid(s) of the CRX protein and extend the protein by 70 additional amino acid residues. This variant has not been reported in the literature in individuals affected with CRX-related conditions. ClinVar contains an entry for this variant (Variation ID: 2033764). This variant disrupts a region of the CRX protein in which other variant(s) (p.Tyr258*) have been determined to be pathogenic (PMID: 22968130, 25270190). This suggests that this is a clinically significant region of the protein, and that variants that disrupt it are likely to be disease-causing. For these reasons, this variant has been classified as Pathogenic.

Literature cited by the submitters: PubMed 22968130; PubMed 25270190.